The following is an entry in ClinVar:

NM_000052.7(ATP7A):c.1009G>A (p.Ala337Thr)

Gene: ATP7A (ATPase copper transporting alpha; plus strand). Cytogenetic location: Xq21.1.
Variant type: single nucleotide variant.
Coding change: c.1009G>A on transcript NM_000052.7 (MANE Select); coding-DNA position 1009, G replaced by A.
Protein change: p.Ala337Thr; replaces alanine 337 with threonine.
Molecular consequence: missense variant.
Genome position (GRCh38, 1-based): chrX:77,989,631, G>A. VCF-style: chrX-77989631-G-A. GRCh37 (hg19) VCF-style: chrX-77245127-G-A.
Other names: p.Ala337Thr; c.1009G>A, p.Ala337Thr (NM_001282224.2); short protein forms A337T.
Identifiers: ClinVar variation 377535 (VCV000377535.59), dbSNP rs138039591, ClinGen allele CA10458982.

ClinVar aggregate classification (germline): Benign/Likely benign. Review status: criteria provided, multiple submitters, no conflicts (2 of 4 stars). 12 submissions from 12 submitters: Benign (5); Likely benign (2). 5 of the submissions do not count toward it. Last evaluated 2026-02-04.

Conditions:
X-linked distal spinal muscular atrophy type 3. Also called: ATP7A-Related Distal Motor Neuropathy; SPINAL MUSCULAR ATROPHY, DISTAL, X-LINKED RECESSIVE; NEURONOPATHY, DISTAL HEREDITARY MOTOR, X-LINKED; NEUROPATHY, DISTAL HEREDITARY MOTOR, X-LINKED. Identifiers: Orphanet 139557, MedGen C1845359, MONDO:0010338, OMIM 300489.
Cutis laxa, X-linked (OHS). Also called: Occipital horn syndrome; EDS IX. Identifiers: Orphanet 198, MedGen C0268353, MONDO:0010572, OMIM 304150.
Menkes kinky-hair syndrome (MNK). Also called: Menkes Disease; Copper transport disease; Classic Menkes Disease. Identifiers: Orphanet 565, MedGen C0022716, MONDO:0010651, OMIM 309400.
ATP7A-related disorder. Also called: ATP7A-related condition.
Inborn genetic diseases. Identifiers: MedGen C0950123, MeSH D030342.

Allele frequency attached by ClinVar (database versions not stated): 1000 Genomes Project 0.00026; ESP Exome Variant Server 0.00028; 1000 Genomes Project 30x 0.00042; gnomAD exomes 0.00064 and 0.00086; ExAC 0.00067; gnomAD 0.00067 and 0.00069; TOPMed 0.00076.
gnomAD v4.1: 1,016 of 1,209,928 alleles (0.084%); highest among the groups gnomAD compares: South Asian, 0.12%; no homozygotes.

Submissions (12):

Labcorp Genetics (formerly Invitae), Labcorp
Classification: Benign for X-linked distal spinal muscular atrophy type 3; Cutis laxa, X-linked; Menkes kinky-hair syndrome. Last evaluated: 2026-02-04. Review status: criteria provided, single submitter. Criteria: Invitae Variant Classification Sherloc (09022015). Collection method: clinical testing. Allele origin: germline.

ARUP Laboratories, Molecular Genetics and Genomics, ARUP Laboratories
Classification: Benign. Last evaluated: 2025-07-01. Review status: criteria provided, single submitter. Criteria: ARUP Molecular Germline Variant Investigation Process 2024. Collection method: clinical testing. Allele origin: germline.

Blueprint Genetics
Classification: Likely benign. Last evaluated: 2024-11-13. Review status: criteria provided, single submitter. Criteria: ACMG Guidelines, 2015. Collection method: clinical testing. Allele origin: germline.

Mayo Clinic Laboratories, Mayo Clinic
Classification: Benign. Last evaluated: 2023-08-16. Review status: criteria provided, single submitter. Criteria: ACMG Guidelines, 2015. Collection method: clinical testing. Allele origin: germline. Observed: 6 variant alleles.
Comment: BS1, BS2

GeneDx
Classification: Benign. Last evaluated: 2020-06-11. Review status: criteria provided, single submitter. Criteria: GeneDx Variant Classification Process June 2021. Collection method: clinical testing. Allele origin: germline. Affected: yes.
Comment: This variant is associated with the following publications: (PMID: 19377476)

CeGaT Center for Human Genetics Tuebingen
Classification: Likely benign. Last evaluated: 2018-04-01. Review status: criteria provided, single submitter. Criteria: CeGaT Center For Human Genetics Tuebingen Variant Classification Criteria Version 2. Collection method: clinical testing. Allele origin: germline. Affected: yes. Observed: 1 variant allele.

Ambry Genetics
Classification: Benign for Inborn genetic diseases. Last evaluated: 2017-07-26. Review status: criteria provided, single submitter. Criteria: Ambry Variant Classification Scheme 2023. Collection method: clinical testing. Allele origin: germline.

PreventionGenetics, part of Exact Sciences
Classification: Likely benign for ATP7A-related condition. Last evaluated: 2020-11-02. Review status: no assertion criteria provided. Collection method: clinical testing. Allele origin: germline. Not counted in ClinVar's aggregate classification.
Comment: This variant is classified as likely benign based on ACMG/AMP sequence variant interpretation guidelines (Richards et al. 2015 PMID: 25741868, with internal and published modifications).

Clinical Genetics DNA and cytogenetics Diagnostics Lab, Erasmus MC, Erasmus Medical Center
Classification: Benign. Review status: no assertion criteria provided. Collection method: clinical testing. Allele origin: germline. Affected: yes. Study: VKGL Data-share Consensus. Not counted in ClinVar's aggregate classification.

Clinical Genetics, Academic Medical Center
Classification: Likely benign. Review status: no assertion criteria provided. Collection method: clinical testing. Allele origin: germline. Affected: yes. Study: VKGL Data-share Consensus. Not counted in ClinVar's aggregate classification.

Genome Diagnostics Laboratory, University Medical Center Utrecht
Classification: Likely benign. Review status: no assertion criteria provided. Collection method: clinical testing. Allele origin: germline. Affected: yes. Study: VKGL Data-share Consensus. Not counted in ClinVar's aggregate classification.

Laboratory of Diagnostic Genome Analysis, Leiden University Medical Center (LUMC)
Classification: Likely benign. Review status: no assertion criteria provided. Collection method: clinical testing. Allele origin: germline. Affected: yes. Study: VKGL Data-share Consensus. Not counted in ClinVar's aggregate classification.